The following is an entry in ClinVar:

NM_032447.5(FBN3):c.2994G>A (p.Thr998=)

Gene: FBN3 (fibrillin 3; minus strand). Cytogenetic location: 19p13.2.
Variant type: single nucleotide variant.
Coding change: c.2994G>A on transcript NM_032447.5 (MANE Select); coding-DNA position 2994, G replaced by A.
Protein change: p.Thr998=; no amino-acid change (threonine 998 retained).
Molecular consequence: synonymous variant.
Genome position (GRCh38, 1-based): chr19:8,123,552, C>T on the plus strand (G>A on the coding strand, the complement: FBN3 is on the minus strand). VCF-style: chr19-8123552-C-T. GRCh37 (hg19) VCF-style: chr19-8188436-C-T.
Other names: c.2994G>A, p.Thr998= (NM_001321431.2); c.2994G>A (NM_001321431.1).
Identifiers: ClinVar variation 783817 (VCV000783817.13), dbSNP rs61729602, ClinGen allele CA9152629.
Genomic context (GRCh38, chr19:8,123,552, plus strand): 5'-GGCGAAGCCCCCCGCACAGGCGCAGTGGAAGCTGCCCACCGTGTTTCTGCAGGTACCGTG[C>T]GTGCAGAGGCCAGGGAACACCTTGCATTCATTCACATCTGAAGTACAGGGGCATCAAACC-3'
Protein context (NP_115823.3, residues 988-1008): NECKVFPGLC[Thr998=]HGTCRNTVGS

ClinVar aggregate classification (germline): Benign. Review status: criteria provided, multiple submitters, no conflicts (2 of 4 stars). 3 submissions from 3 submitters: Benign (2). 1 of the submissions does not count toward it. Last evaluated 2026-01-27.

Conditions:
FBN3-related disorder. Also called: FBN3-related condition.

Allele frequency attached by ClinVar (database versions not stated): gnomAD 0.01453 and 0.01557; ESP Exome Variant Server 0.01599; TOPMed 0.01637; 1000 Genomes Project 0.01677; 1000 Genomes Project 30x 0.01811.
gnomAD v4.1: 4,431 of 1,614,138 alleles (0.27%); highest among the groups gnomAD compares: African/African-American, 5%; 111 homozygotes.

Submissions (3):

Labcorp Genetics (formerly Invitae), Labcorp
Classification: Benign. Last evaluated: 2026-01-27. Review status: criteria provided, single submitter. Criteria: Invitae Variant Classification Sherloc (09022015). Collection method: clinical testing. Allele origin: germline.

Breakthrough Genomics
Classification: Benign. Review status: criteria provided, single submitter. Criteria: ACMG Guidelines, 2015. Collection method: not provided. Allele origin: germline. Inheritance: Unknown mechanism. Affected: yes.

PreventionGenetics, part of Exact Sciences
Classification: Benign for FBN3-related condition. Last evaluated: 2019-03-22. Review status: no assertion criteria provided. Collection method: clinical testing. Allele origin: germline. Not counted in ClinVar's aggregate classification.
Comment: This variant is classified as benign based on ACMG/AMP sequence variant interpretation guidelines (Richards et al. 2015 PMID: 25741868, with internal and published modifications).